The following is an entry in ClinVar:

ClinVar aggregate classification (germline): Uncertain significance (1 of 4 stars; one submission).

Conditions:
Autosomal dominant limb-girdle muscular dystrophy type 1F (LGMDD2). Also called: MUSCULAR DYSTROPHY, LIMB-GIRDLE, AUTOSOMAL DOMINANT 2; Limb-girdle muscular dystrophy, type 1F. Identifiers: Orphanet 55595, MedGen C1842062, MONDO:0012034, OMIM 608423.

Submission:

Labcorp Genetics (formerly Invitae), Labcorp
Classification: Uncertain significance for Autosomal dominant limb-girdle muscular dystrophy type 1F. Last evaluated: 2021-07-02. Review status: criteria provided, single submitter. Criteria: Invitae Variant Classification Sherloc (09022015). Collection method: clinical testing. Allele origin: germline.
Comment: This sequence change replaces aspartic acid with tyrosine at codon 385 of the TNPO3 protein (p.Asp385Tyr). The aspartic acid residue is highly conserved and there is a large physicochemical difference between aspartic acid and tyrosine. This variant is not present in population databases (ExAC no frequency). This variant has not been reported in the literature in individuals affected with TNPO3-related conditions. Algorithms developed to predict the effect of missense changes on protein structure and function are either unavailable or do not agree on the potential impact of this missense change (SIFT: "Deleterious"; PolyPhen-2: "Probably Damaging"; Align-GVGD: "Class C15"). In summary, the available evidence is currently insufficient to determine the role of this variant in disease. Therefore, it has been classified as a Variant of Uncertain Significance.

NM_012470.4(TNPO3):c.1153G>T (p.Asp385Tyr)

Gene: TNPO3 (transportin 3; minus strand). Cytogenetic location: 7q32.1.
Variant type: single nucleotide variant.
Coding change: c.1153G>T on transcript NM_012470.4 (MANE Select); coding-DNA position 1153, G replaced by T.
Protein change: p.Asp385Tyr; replaces aspartic acid 385 with tyrosine.
Molecular consequence: missense variant. On other transcripts: non-coding transcript variant (17), intron variant (1).
Genome position (GRCh38, 1-based): chr7:128,997,394, C>A on the plus strand (G>T on the coding strand, the complement: TNPO3 is on the minus strand). VCF-style: chr7-128997394-C-A. GRCh37 (hg19) VCF-style: chr7-128637448-C-A.
Other names: c.1153G>T, p.Asp385Tyr (NM_001191028.3, NM_001382216.1, NM_001382218.1 and 3 more transcripts); c.1234G>T, p.Asp412Tyr (NM_001382217.1); c.1009G>T, p.Asp337Tyr (NM_001382221.1); c.1011+3035G>T (NM_001382222.1); short protein forms D337Y, D385Y, D412Y.
Identifiers: ClinVar variation 1379254 (VCV001379254.8), dbSNP rs2150368155, ClinGen allele CA369234410.